The following is an entry in ClinVar:

ClinVar aggregate classification (germline): Uncertain significance. Review status: criteria provided, multiple submitters, no conflicts (2 of 4 stars). 2 submissions from 2 submitters: Uncertain significance (2). Last evaluated 2025-09-03.

Conditions:
Immunodeficiency 39 (IMD39). Identifiers: Orphanet 574918, MedGen C4225358, MONDO:0014597, OMIM 616345.

Allele frequency attached by ClinVar (database versions not stated): gnomAD exomes 0.00002 and 0.00007; ExAC 0.00004; gnomAD 0.00006 and 0.00007; TOPMed 0.00008.

Submissions (2):

Labcorp Genetics (formerly Invitae), Labcorp
Classification: Uncertain significance for Immunodeficiency 39. Last evaluated: 2025-09-03. Review status: criteria provided, single submitter. Criteria: Invitae Variant Classification Sherloc (09022015). Collection method: clinical testing. Allele origin: germline.
Comment: This sequence change replaces arginine, which is basic and polar, with proline, which is neutral and non-polar, at codon 113 of the IRF7 protein (p.Arg113Pro). This variant is present in population databases (rs752300122, gnomAD 0.005%). This missense change has been observed in individual(s) with IRF7-related conditions (PMID: 37097753). ClinVar contains an entry for this variant (Variation ID: 575853). Invitae Evidence Modeling of protein sequence and biophysical properties (such as structural, functional, and spatial information, amino acid conservation, physicochemical variation, residue mobility, and thermodynamic stability) indicates that this missense variant is not expected to disrupt IRF7 protein function with a negative predictive value of 80%. Experimental studies have shown that this missense change affects IRF7 function (PMID: 37097753). In summary, the available evidence is currently insufficient to determine the role of this variant in disease. Therefore, it has been classified as a Variant of Uncertain Significance.

Ambry Genetics
Classification: Uncertain significance. Last evaluated: 2025-02-28. Review status: criteria provided, single submitter. Criteria: Ambry Variant Classification Scheme 2023. Collection method: clinical testing. Allele origin: germline.

Literature cited by the submitters: PubMed 37097753 (cited by Labcorp Genetics (formerly Invitae), Labcorp).

NM_001572.5(IRF7):c.299G>C (p.Arg100Pro)

Gene: IRF7 (interferon regulatory factor 7; minus strand). Cytogenetic location: 11p15.5.
Variant type: single nucleotide variant.
Coding change: c.299G>C on transcript NM_001572.5 (MANE Select); coding-DNA position 299, G replaced by C.
Protein change: p.Arg100Pro; replaces arginine 100 with proline.
Molecular consequence: missense variant.
Genome position (GRCh38, 1-based): chr11:614,892, C>G on the plus strand (G>C on the coding strand, the complement: IRF7 is on the minus strand). VCF-style: chr11-614892-C-G. GRCh37 (hg19) VCF-style: chr11-614892-C-G.
Other names: c.299G>C, p.Arg100Pro (LRG_1313t1, NM_004029.4); c.338G>C, p.Arg113Pro (NM_004031.4); short protein forms R113P, R100P.
Identifiers: ClinVar variation 575853 (VCV000575853.10), dbSNP rs752300122, ClinGen allele CA5784007.
Genomic context (GRCh38, chr11:614,892, plus strand): 5'-TTGTGCGGGTCGGCCGGGTCCCCCGAGTTATCCCGCAGCATCACGAAGCGACGCGTGCTG[C>G]GCAGTGCGCAGCGGAAGTTGGTTTTCCAGCCGGCGCGCTCCGCAGTCTCAGCCTCGGGGG-3'
Protein context (NP_001563.2, residues 90-110): GWKTNFRCAL[Arg100Pro]STRRFVMLRD